The following is an entry in ClinVar:

ClinVar aggregate classification (germline): Uncertain significance (1 of 4 stars; one submission).

Conditions:
FLCN-related disorder. Also called: FLCN-related condition.

Submission:

PreventionGenetics, part of Exact Sciences
Classification: Uncertain significance for FLCN-related condition. Last evaluated: 2026-04-17. Review status: criteria provided, single submitter. Criteria: ACMG Guidelines, 2015. Collection method: clinical testing. Allele origin: germline.
Comment: The FLCN c.323G>A variant is predicted to result in the amino acid substitution p.Ser108Asn. To our knowledge, this variant has not been reported in the literature or in a large population database (gnomAD), indicating this variant is rare. At the time of reporting, this variant is absent from the ClinVar database. At this time, the clinical significance of this variant is uncertain due to the absence of conclusive functional and genetic evidence.

NM_144997.7(FLCN):c.323G>A (p.Ser108Asn)

Gene: FLCN (folliculin; minus strand). Cytogenetic location: 17p11.2.
Variant type: single nucleotide variant.
Coding change: c.323G>A on transcript NM_144997.7 (MANE Select); coding-DNA position 323, G replaced by A.
Protein change: p.Ser108Asn; replaces serine 108 with asparagine.
Molecular consequence: missense variant.
Genome position (GRCh38, 1-based): chr17:17,226,249, C>T on the plus strand (G>A on the coding strand, the complement: FLCN is on the minus strand). VCF-style: chr17-17226249-C-T. GRCh37 (hg19) VCF-style: chr17-17129563-C-T.
Other names: c.323G>A, p.Ser108Asn (NM_001353229.2, NM_001353230.2, NM_001353231.2 and 1 more transcripts); short protein forms S108N.
Identifiers: ClinVar variation 4991356 (VCV004991356.1).